The following is an entry in ClinVar:

ClinVar aggregate classification (germline): Benign. Review status: criteria provided, multiple submitters, no conflicts (2 of 4 stars). 2 submissions from 2 submitters: Benign (2). Last evaluated 2018-06-14.

Allele frequency attached by ClinVar (database versions not stated): 1000 Genomes Project 30x 0.06558; 1000 Genomes Project 0.06789; gnomAD 0.08331 and 0.08443; TOPMed 0.08393; ESP Exome Variant Server 0.09045.
gnomAD v4.1: 151,752 of 1,571,536 alleles (9.7%); highest among the groups gnomAD compares: Non-Finnish European, 10%; 7,691 homozygotes.

Submissions (2):

GeneDx
Classification: Benign. Last evaluated: 2018-06-14. Review status: criteria provided, single submitter. Criteria: GeneDx Variant Classification (06012015). Collection method: clinical testing. Allele origin: germline. Affected: yes.
Comment: This variant is considered likely benign or benign based on one or more of the following criteria: it is a conservative change, it occurs at a poorly conserved position in the protein, it is predicted to be benign by multiple in silico algorithms, and/or has population frequency not consistent with disease.

Breakthrough Genomics
Classification: Benign. Review status: criteria provided, single submitter. Criteria: ACMG Guidelines, 2015. Collection method: not provided. Allele origin: germline. Inheritance: Autosomal dominant inheritance. Affected: yes.

NM_001276345.2(TNNT2):c.68-71C>T

Gene: TNNT2 (troponin T2, cardiac type; minus strand). Cytogenetic location: 1q32.1.
Variant type: single nucleotide variant.
Coding change: c.68-71C>T on transcript NM_001276345.2 (MANE Select); 71 bases into the intron before coding-DNA position 68, C replaced by T.
Molecular consequence: intron variant.
Genome position (GRCh38, 1-based): chr1:201,369,916, G>A on the plus strand (C>T on the coding strand, the complement: TNNT2 is on the minus strand). VCF-style: chr1-201369916-G-A. GRCh37 (hg19) VCF-style: chr1-201339044-G-A.
Other names: c.53-1689C>T (NM_001001432.3); c.68-1689C>T (NM_001001431.3, NM_001001430.3, NM_001276347.2); c.68-71C>T (NM_001276346.2, NM_000364.4).
Identifiers: ClinVar variation 672955 (VCV000672955.2), dbSNP rs45584633, ClinGen allele CA35429661.